The following is an entry in ClinVar:

ClinVar aggregate classification (germline): Conflicting classifications of pathogenicity. Review status: criteria provided, conflicting classifications (1 of 4 stars). 4 submissions from 4 submitters: Uncertain significance (3); Likely benign (1). Last evaluated 2026-01-11.

Conditions:
Charlevoix-Saguenay spastic ataxia (SACS). Also called: Spastic ataxia of Charlevoix-Saguenay; AUTOSOMAL RECESSIVE SPASTIC ATAXIA OF CHARLEVOIX-SAGUENAY; SPASTIC ATAXIA 6, AUTOSOMAL RECESSIVE. Identifiers: Orphanet 98, MedGen C1849140, MONDO:0010041, OMIM 270550.
Spastic paraplegia. Identifiers: MedGen C0037772, HP:0001258.

Allele frequency attached by ClinVar (database versions not stated): TOPMed 0.00005; 1000 Genomes Project 30x 0.00016; gnomAD 0.00018 and 0.00020; 1000 Genomes Project 0.00020; gnomAD exomes 0.00026; ExAC 0.00029.
gnomAD v4.1: 214 of 1,613,674 alleles (0.013%); highest among the groups gnomAD compares: Admixed American, 0.01%; no homozygotes.

Submissions (4):

Labcorp Genetics (formerly Invitae), Labcorp
Classification: Likely benign for Spastic paraplegia. Last evaluated: 2026-01-11. Review status: criteria provided, single submitter. Criteria: Invitae Variant Classification Sherloc (09022015). Collection method: clinical testing. Allele origin: germline.

CeGaT Center for Human Genetics Tuebingen
Classification: Uncertain significance. Last evaluated: 2025-12-01. Review status: criteria provided, single submitter. Criteria: CeGaT Center For Human Genetics Tuebingen Variant Classification Criteria Version 2. Collection method: clinical testing. Allele origin: germline. Affected: yes. Observed: 1 variant allele.
Comment: SACS: PM2

Blueprint Genetics
Classification: Uncertain significance. Last evaluated: 2024-09-23. Review status: criteria provided, single submitter. Criteria: ACMG Guidelines, 2015. Collection method: clinical testing. Allele origin: germline.

Fulgent Genetics
Classification: Uncertain significance for Charlevoix-Saguenay spastic ataxia. Last evaluated: 2024-06-11. Review status: criteria provided, single submitter. Criteria: ACMG Guidelines, 2015. Collection method: clinical testing. Allele origin: germline.

NM_014363.6(SACS):c.9778G>C (p.Asp3260His)

Gene: SACS (sacsin molecular chaperone; minus strand). Cytogenetic location: 13q12.12.
Variant type: single nucleotide variant.
Coding change: c.9778G>C on transcript NM_014363.6 (MANE Select); coding-DNA position 9778, G replaced by C.
Protein change: p.Asp3260His; replaces aspartic acid 3260 with histidine.
Molecular consequence: missense variant.
Genome position (GRCh38, 1-based): chr13:23,334,098, C>G on the plus strand (G>C on the coding strand, the complement: SACS is on the minus strand). VCF-style: chr13-23334098-C-G. GRCh37 (hg19) VCF-style: chr13-23908237-C-G.
Other names: c.9337G>C, p.Asp3113His (NM_001278055.2); short protein forms D3113H, D3260H.
Identifiers: ClinVar variation 1145990 (VCV001145990.15), dbSNP rs148545339, ClinGen allele CA6910569.